The following is an entry in ClinVar:

ClinVar aggregate classification (germline): Uncertain significance (1 of 4 stars; one submission).

Conditions:
Hereditary cancer-predisposing syndrome. Also called: Hereditary Cancer Syndrome; Tumor predisposition; Hereditary neoplastic syndrome; Neoplastic Syndromes, Hereditary. Identifiers: Orphanet 140162, MedGen C0027672, MeSH D009386, MONDO:0015356.
Cardiovascular phenotype. Identifiers: MedGen CN230736.

Submission:

Ambry Genetics
Classification: Uncertain significance for Cardiovascular phenotype; Hereditary cancer-predisposing syndrome. Last evaluated: 2024-08-10. Review status: criteria provided, single submitter. Criteria: Ambry Variant Classification Scheme 2023. Collection method: clinical testing. Allele origin: germline.
Comment: The p.Y433C variant (also known as c.1298A>G), located in coding exon 12 of the NF1 gene, results from an A to G substitution at nucleotide position 1298. The tyrosine at codon 433 is replaced by cysteine, an amino acid with highly dissimilar properties. This amino acid position is conserved. In addition, this alteration is predicted to be deleterious by in silico analysis. Based on the available evidence, the clinical significance of this variant remains unclear.

NM_001042492.3(NF1):c.1298A>G (p.Tyr433Cys)

Gene: NF1 (neurofibromin 1; plus strand). Cytogenetic location: 17q11.2.
Variant type: single nucleotide variant.
Coding change: c.1298A>G on transcript NM_001042492.3 (MANE Select); coding-DNA position 1298, A replaced by G.
Protein change: p.Tyr433Cys; replaces tyrosine 433 with cysteine.
Molecular consequence: missense variant.
Genome position (GRCh38, 1-based): chr17:31,206,277, A>G. VCF-style: chr17-31206277-A-G. GRCh37 (hg19) VCF-style: chr17-29533295-A-G.
Other names: c.1298A>G, p.Tyr433Cys (NM_000267.4, NM_001128147.3); short protein forms Y433C.
Identifiers: ClinVar variation 3404701 (VCV003404701.1).